The following is an entry in ClinVar:

NM_000059.4(BRCA2):c.2303C>G (p.Thr768Ser)

Gene: BRCA2 (BRCA2 DNA repair associated; plus strand). Cytogenetic location: 13q13.1.
Variant type: single nucleotide variant.
Coding change: c.2303C>G on transcript NM_000059.4 (MANE Select); coding-DNA position 2303, C replaced by G.
Protein change: p.Thr768Ser; replaces threonine 768 with serine.
Molecular consequence: missense variant.
Genome position (GRCh38, 1-based): chr13:32,336,658, C>G. VCF-style: chr13-32336658-C-G. GRCh37 (hg19) VCF-style: chr13-32910795-C-G.
Other names: c.2303C>G, p.Thr768Ser (NM_001406719.1, NM_001406720.1); short protein forms T768S.
Identifiers: ClinVar variation 1979974 (VCV001979974.7), dbSNP rs55824746, ClinGen allele CA387771342.
Genomic context (GRCh38, chr13:32,336,658, plus strand): 5'-ACAGTGATACTGACTTTCAATCCCAGAAAAGTCTTTTATATGATCATGAAAATGCCAGCA[C>G]TCTTATTTTAACTCCTACTTCCAAGGATGTTCTGTCAAACCTAGTCATGATTTCTAGAGG-3'
Protein context (NP_000050.3, residues 758-778): SLLYDHENAS[Thr768Ser]LILTPTSKDV

ClinVar aggregate classification (germline): Conflicting classifications of pathogenicity. Review status: criteria provided, conflicting classifications (1 of 4 stars). 3 submissions from 3 submitters: Uncertain significance (2); Likely benign (1). Last evaluated 2023-04-27.

Conditions:
Hereditary breast ovarian cancer syndrome. Also called: Hereditary breast and ovarian cancer syndrome; Breast and ovarian cancer; Hereditary breast and ovarian cancer; Hereditary breast and ovarian cancer syndrome (HBOC); BRCA1- and BRCA2-Associated Hereditary Breast and Ovarian Cancer; Hereditary breast and/or ovarian cancer syndrome. Identifiers: Orphanet 145, MedGen C0677776, MeSH D061325, MONDO:0003582. Disease mechanism: loss of function.
Breast-ovarian cancer, familial, susceptibility to, 2 (BROVCA2). Also called: BRCA2 Hereditary Breast and Ovarian Cancer. Identifiers: Orphanet 145, MedGen C2675520, MONDO:0012933, OMIM 612555. Disease mechanism: loss of function.
Hereditary cancer-predisposing syndrome. Also called: Hereditary neoplastic syndrome; Neoplastic Syndromes, Hereditary; Tumor predisposition; Hereditary Cancer Syndrome. Identifiers: Orphanet 140162, MedGen C0027672, MeSH D009386, MONDO:0015356.

Submissions (3):

All of Us Research Program, National Institutes of Health
Classification: Uncertain significance for Breast-ovarian cancer, familial, susceptibility to, 2. Last evaluated: 2023-04-27. Review status: criteria provided, single submitter. Criteria: ACMG Guidelines, 2015. Collection method: clinical testing. Allele origin: germline. Inheritance: Autosomal dominant inheritance. Observed: 1 variant allele, 1 heterozygote.
Comment: This missense variant replaces threonine with serine at codon 768 of the BRCA2 protein. Computational prediction suggests that this variant may not impact protein structure and function (internally defined REVEL score threshold <= 0.5, PMID: 27666373). To our knowledge, functional studies have not been reported for this variant. In a large breast cancer case-control study conducted by the BRIDGES consortium, this variant was reported in 1/60466 cases and 1/53461 unaffected controls, showing inconclusive association with disease (95%CI 0.055 to 14.136; p-value=1) (PMID: 33471991; Leiden Open Variation Database DB-ID BRCA2_007666). This variant has not been identified in the general population by the Genome Aggregation Database (gnomAD). The available evidence is insufficient to determine the role of this variant in disease conclusively. Therefore, this variant is classified as a Variant of Uncertain Significance.

This study involves interpretation of variants in research participants for the purpose of population health screening. Participant phenotype was not available at the time of variant classification. Additional details can be found in publication PMID: 35346344, PMCID: PMC8962531

University of Washington Department of Laboratory Medicine, University of Washington
Classification: Likely benign for Hereditary cancer-predisposing syndrome. Last evaluated: 2023-03-23. Review status: criteria provided, single submitter. Criteria: Dines et al. (Genet Med. 2020). Collection method: curation. Allele origin: germline.
Comment: Missense variant in a coldspot region where missense variants are very unlikely to be pathogenic (PMID:31911673).

BRCA2 exon 11 coldspot. Reclassification based on statistical prior probability.

Labcorp Genetics (formerly Invitae), Labcorp
Classification: Uncertain significance for Hereditary breast ovarian cancer syndrome. Last evaluated: 2022-03-16. Review status: criteria provided, single submitter. Criteria: Invitae Variant Classification Sherloc (09022015). Collection method: clinical testing. Allele origin: germline.
Comment: In summary, the available evidence is currently insufficient to determine the role of this variant in disease. Therefore, it has been classified as a Variant of Uncertain Significance. Advanced modeling of protein sequence and biophysical properties (such as structural, functional, and spatial information, amino acid conservation, physicochemical variation, residue mobility, and thermodynamic stability) performed at Invitae indicates that this missense variant is not expected to disrupt BRCA2 protein function. This variant has not been reported in the literature in individuals affected with BRCA2-related conditions. This variant is not present in population databases (gnomAD no frequency). This sequence change replaces threonine, which is neutral and polar, with serine, which is neutral and polar, at codon 768 of the BRCA2 protein (p.Thr768Ser).

Literature cited by the submitters: PubMed 33471991 (cited by All of Us Research Program, National Institutes of Health).